The following is an entry in ClinVar:

NM_002900.3(RBP3):c.2909G>C (p.Ser970Thr)

Gene: RBP3 (retinol binding protein 3; plus strand). Cytogenetic location: 10q11.22.
Variant type: single nucleotide variant.
Coding change: c.2909G>C on transcript NM_002900.3 (MANE Select); coding-DNA position 2909, G replaced by C.
Protein change: p.Ser970Thr; replaces serine 970 with threonine.
Molecular consequence: missense variant.
Genome position (GRCh38, 1-based): chr10:47,351,393, G>C. VCF-style: chr10-47351393-G-C. GRCh37 (hg19) VCF-style: chr10-48387969-C-G.
Other names: c.2909G>C (NM_002900.2); short protein forms S970T.
Identifiers: ClinVar variation 1469934 (VCV001469934.5), dbSNP rs1209861528, ClinGen allele CA376675591.
Genomic context (GRCh38, chr10:47,351,393, plus strand): 5'-ATAACTATGCCTCTGCCGAGCTGGGGGCCAAGATGGCCACCAAACTGAGCGGTCTGCAGA[G>C]CCGCTACTCCAGGGTGACCTCAGAAGTGGCCCTAGCCGAGATCCTGGGGGCTGACCTGCA-3'
Protein context (NP_002891.1, residues 960-980): KMATKLSGLQ[Ser970Thr]RYSRVTSEVA

ClinVar aggregate classification (germline): Uncertain significance. Review status: criteria provided, multiple submitters, no conflicts (2 of 4 stars). 2 submissions from 2 submitters: Uncertain significance (2). Last evaluated 2024-08-19.

Conditions:
Inborn genetic diseases. Identifiers: MedGen C0950123, MeSH D030342.

Allele frequency attached by ClinVar (database versions not stated): gnomAD exomes 0.00001; gnomAD 0.00010 and 0.00011.
gnomAD v4.1: 34 of 1,613,488 alleles (0.0021%); highest among the groups gnomAD compares: Admixed American, 0.043%; no homozygotes.

Submissions (2):

Ambry Genetics
Classification: Uncertain significance for Inborn genetic diseases. Last evaluated: 2024-08-19. Review status: criteria provided, single submitter. Criteria: Ambry Variant Classification Scheme 2023. Collection method: clinical testing. Allele origin: germline.

Labcorp Genetics (formerly Invitae), Labcorp
Classification: Uncertain significance. Last evaluated: 2022-08-23. Review status: criteria provided, single submitter. Criteria: Invitae Variant Classification Sherloc (09022015). Collection method: clinical testing. Allele origin: germline.
Comment: This sequence change replaces serine, which is neutral and polar, with threonine, which is neutral and polar, at codon 970 of the RBP3 protein (p.Ser970Thr). This variant is present in population databases (no rsID available, gnomAD 0.006%). This variant has not been reported in the literature in individuals affected with RBP3-related conditions. ClinVar contains an entry for this variant (Variation ID: 1469934). Algorithms developed to predict the effect of missense changes on protein structure and function output the following: SIFT: "Tolerated"; PolyPhen-2: "Benign"; Align-GVGD: "Class C0". The threonine amino acid residue is found in multiple mammalian species, which suggests that this missense change does not adversely affect protein function. In summary, the available evidence is currently insufficient to determine the role of this variant in disease. Therefore, it has been classified as a Variant of Uncertain Significance.